The following is an entry in ClinVar:

ClinVar aggregate classification (germline): Uncertain significance (0 of 4 stars; one submission).

Conditions:
EP300-related disorder. Also called: EP300-related condition; EP300-related disorders.

Submission:

PreventionGenetics, part of Exact Sciences
Classification: Uncertain significance for EP300-related condition. Last evaluated: 2024-02-19. Review status: no assertion criteria provided. Collection method: clinical testing. Allele origin: germline.
Comment: The EP300 c.6572A>G variant is predicted to result in the amino acid substitution p.Gln2191Arg. To our knowledge, this variant has not been reported in the literature or in a large population database, indicating this variant is rare. At this time, the clinical significance of this variant is uncertain due to the absence of conclusive functional and genetic evidence.

NM_001429.4(EP300):c.6572A>G (p.Gln2191Arg)

Gene: EP300 (E1A binding protein p300; plus strand). Cytogenetic location: 22q13.2.
Variant type: single nucleotide variant.
Coding change: c.6572A>G on transcript NM_001429.4 (MANE Select); coding-DNA position 6572, A replaced by G.
Protein change: p.Gln2191Arg; replaces glutamine 2191 with arginine.
Molecular consequence: missense variant.
Genome position (GRCh38, 1-based): chr22:41,178,283, A>G. VCF-style: chr22-41178283-A-G. GRCh37 (hg19) VCF-style: chr22-41574287-A-G.
Other names: c.6494A>G, p.Gln2165Arg (NM_001362843.2); short protein forms Q2165R, Q2191R.
Identifiers: ClinVar variation 3350145 (VCV003350145.1).
Genomic context (GRCh38, chr22:41,178,283, plus strand): 5'-ACCACAACACCATGCCTTCACAATTCCGAGACATCTTGAGACGACAGCAAATGATGCAAC[A>G]GCAGCAGCAACAGGGAGCAGGGCCAGGAATAGGCCCTGGAATGGCCAACCATAACCAGTT-3'
Protein context (NP_001420.2, residues 2181-2201): DILRRQQMMQ[Gln2191Arg]QQQQGAGPGI